The following is an entry in ClinVar:

NM_001145358.2(SIN3A):c.862A>G (p.Ile288Val)

Gene: SIN3A (SIN3 transcription regulator family member A; minus strand). Cytogenetic location: 15q24.2.
Variant type: single nucleotide variant.
Coding change: c.862A>G on transcript NM_001145358.2 (MANE Select); coding-DNA position 862, A replaced by G.
Protein change: p.Ile288Val; replaces isoleucine 288 with valine.
Molecular consequence: missense variant.
Genome position (GRCh38, 1-based): chr15:75,411,638, T>C on the plus strand (A>G on the coding strand, the complement: SIN3A is on the minus strand). VCF-style: chr15-75411638-T-C. GRCh37 (hg19) VCF-style: chr15-75703979-T-C.
Other names: c.862A>G, p.Ile288Val (NM_001145357.2, NM_015477.3); short protein forms I288V.
Identifiers: ClinVar variation 724786 (VCV000724786.33), dbSNP rs116550351, ClinGen allele CA7667794.

ClinVar aggregate classification (germline): Benign/Likely benign. Review status: criteria provided, multiple submitters, no conflicts (2 of 4 stars). 3 submissions from 3 submitters: Benign (1); Likely benign (1). 1 of the submissions does not count toward it. Last evaluated 2026-04-01.

Conditions:
SIN3A-related disorder. Also called: SIN3A-related condition.

Allele frequency attached by ClinVar (database versions not stated): gnomAD exomes 0.00051; ExAC 0.00069; 1000 Genomes Project 0.00180; TOPMed 0.00187; gnomAD 0.00190 and 0.00202; 1000 Genomes Project 30x 0.00219; ESP Exome Variant Server 0.00239.
gnomAD v4.1: 613 of 1,614,074 alleles (0.038%); highest among the groups gnomAD compares: African/African-American, 0.67%; 1 homozygote.

Submissions (3):

CeGaT Center for Human Genetics Tuebingen
Classification: Likely benign. Last evaluated: 2026-04-01. Review status: criteria provided, single submitter. Criteria: CeGaT Center For Human Genetics Tuebingen Variant Classification Criteria Version 2. Collection method: clinical testing. Allele origin: germline. Affected: yes. Observed: 2 variant alleles.
Comment: SIN3A: BS1

Labcorp Genetics (formerly Invitae), Labcorp
Classification: Benign. Last evaluated: 2026-01-16. Review status: criteria provided, single submitter. Criteria: Invitae Variant Classification Sherloc (09022015). Collection method: clinical testing. Allele origin: germline.

PreventionGenetics, part of Exact Sciences
Classification: Likely benign for SIN3A-related condition. Last evaluated: 2019-03-25. Review status: no assertion criteria provided. Collection method: clinical testing. Allele origin: germline. Not counted in ClinVar's aggregate classification.
Comment: This variant is classified as likely benign based on ACMG/AMP sequence variant interpretation guidelines (Richards et al. 2015 PMID: 25741868, with internal and published modifications).